The following is an entry in ClinVar:

ClinVar aggregate classification (germline): Uncertain significance (1 of 4 stars; one submission).

Conditions:
Imerslund-Grasbeck syndrome. Also called: Imerslund-Gräsbeck syndrome; PERNICIOUS ANEMIA, JUVENILE, DUE TO SELECTIVE INTESTINAL MALABSORPTION OF VITAMIN B12, WITH PROTEINURIA; Megaloblastic anemia due to inborn errors of metabolism; ENTEROCYTE COBALAMIN MALABSORPTION; ENTEROCYTE INTRINSIC FACTOR RECEPTOR, DEFECT OF. Identifiers: Orphanet 35858, MedGen C4551825, MONDO:0009853.

Allele frequency attached by ClinVar (database versions not stated): gnomAD exomes below 0.00001.
gnomAD v4.1: 2 of 1,614,036 alleles (0.00012%); highest among the groups gnomAD compares: Non-Finnish European, 0.000085%; no homozygotes.

Submission:

Labcorp Genetics (formerly Invitae), Labcorp
Classification: Uncertain significance for Imerslund-Grasbeck syndrome. Last evaluated: 2020-12-03. Review status: criteria provided, single submitter. Criteria: Invitae Variant Classification Sherloc (09022015). Collection method: clinical testing. Allele origin: germline.
Comment: In summary, the available evidence is currently insufficient to determine the role of this variant in disease. Therefore, it has been classified as a Variant of Uncertain Significance. Algorithms developed to predict the effect of missense changes on protein structure and function are either unavailable or do not agree on the potential impact of this missense change (SIFT: "Tolerated"; PolyPhen-2: "Possibly Damaging"; Align-GVGD: "Class C0"). This variant has not been reported in the literature in individuals with CUBN-related conditions. This variant is not present in population databases (ExAC no frequency). This sequence change replaces histidine with asparagine at codon 2366 of the CUBN protein (p.His2366Asn). The histidine residue is weakly conserved and there is a small physicochemical difference between histidine and asparagine.

NM_001081.4(CUBN):c.7096C>A (p.His2366Asn)

Gene: CUBN (cubilin; minus strand). Cytogenetic location: 10p13.
Variant type: single nucleotide variant.
Coding change: c.7096C>A on transcript NM_001081.4 (MANE Select); coding-DNA position 7096, C replaced by A.
Protein change: p.His2366Asn; replaces histidine 2366 with asparagine.
Molecular consequence: missense variant.
Genome position (GRCh38, 1-based): chr10:16,915,935, G>T on the plus strand (C>A on the coding strand, the complement: CUBN is on the minus strand). VCF-style: chr10-16915935-G-T. GRCh37 (hg19) VCF-style: chr10-16957934-G-T.
Other names: short protein forms H2366N.
Identifiers: ClinVar variation 1466833 (VCV001466833.8), dbSNP rs1261134940, ClinGen allele CA376146567.